The following is an entry in ClinVar:

NM_016013.4(NDUFAF1):c.408G>A (p.Trp136Ter)

Gene: NDUFAF1 (NADH:ubiquinone oxidoreductase complex assembly factor 1; minus strand). Cytogenetic location: 15q15.1.
Variant type: single nucleotide variant.
Coding change: c.408G>A on transcript NM_016013.4 (MANE Select); coding-DNA position 408, G replaced by A.
Protein change: p.Trp136Ter; replaces tryptophan 136 with a stop codon.
Molecular consequence: nonsense. On other transcripts: non-coding transcript variant (1).
Genome position (GRCh38, 1-based): chr15:41,396,652, C>T on the plus strand (G>A on the coding strand, the complement: NDUFAF1 is on the minus strand). VCF-style: chr15-41396652-C-T. GRCh37 (hg19) VCF-style: chr15-41688850-C-T.
Other names: short protein forms W136*.
Identifiers: ClinVar variation 2110234 (VCV002110234.4), dbSNP rs2550179356, ClinGen allele CA391810122.

ClinVar aggregate classification (germline): Uncertain significance (1 of 4 stars; one submission).

Allele frequency attached by ClinVar (database versions not stated): gnomAD exomes below 0.00001.
gnomAD v4.1: 3 of 1,614,164 alleles (0.00019%); highest among the groups gnomAD compares: Non-Finnish European, 0.00025%; no homozygotes.

Submission:

Labcorp Genetics (formerly Invitae), Labcorp
Classification: Uncertain significance. Last evaluated: 2022-09-20. Review status: criteria provided, single submitter. Criteria: Invitae Variant Classification Sherloc (09022015). Collection method: clinical testing. Allele origin: germline.
Comment: In summary, the available evidence is currently insufficient to determine the role of this variant in disease. Therefore, it has been classified as a Variant of Uncertain Significance. This sequence change creates a premature translational stop signal (p.Trp136*) in the NDUFAF1 gene. It is expected to result in an absent or disrupted protein product. However, the current clinical and genetic evidence is not sufficient to establish whether loss-of-function variants in NDUFAF1 cause disease. This variant is not present in population databases (gnomAD no frequency). This variant has not been reported in the literature in individuals affected with NDUFAF1-related conditions. Experimental studies and prediction algorithms are not available or were not evaluated, and the functional significance of this variant is currently unknown.